The following is an entry in ClinVar:

NM_173477.5(USH1G):c.1046C>T (p.Ser349Phe)

Gene: USH1G (USH1 protein network component sans; minus strand). Cytogenetic location: 17q25.1.
Variant type: single nucleotide variant.
Coding change: c.1046C>T on transcript NM_173477.5 (MANE Select); coding-DNA position 1046, C replaced by T.
Protein change: p.Ser349Phe; replaces serine 349 with phenylalanine.
Molecular consequence: missense variant.
Genome position (GRCh38, 1-based): chr17:74,919,790, G>A on the plus strand (C>T on the coding strand, the complement: USH1G is on the minus strand). VCF-style: chr17-74919790-G-A. GRCh37 (hg19) VCF-style: chr17-72915885-G-A.
Other names: c.1046C>T (NM_173477.2); c.737C>T, p.Ser246Phe (NM_001282489.3); short protein forms S246F, S349F.
Identifiers: ClinVar variation 1005012 (VCV001005012.9), dbSNP rs768147159, ClinGen allele CA8753943.

ClinVar aggregate classification (germline): Uncertain significance. Review status: criteria provided, multiple submitters, no conflicts (2 of 4 stars). 2 submissions from 2 submitters: Uncertain significance (2). Last evaluated 2025-05-02.

Conditions:
Inborn genetic diseases. Identifiers: MedGen C0950123, MeSH D030342.

Allele frequency attached by ClinVar (database versions not stated): gnomAD exomes below 0.00001 and 0.00001; ExAC 0.00001; gnomAD 0.00001; TOPMed 0.00001.

Submissions (2):

Ambry Genetics
Classification: Uncertain significance for Inborn genetic diseases. Last evaluated: 2025-05-02. Review status: criteria provided, single submitter. Criteria: Ambry Variant Classification Scheme 2023. Collection method: clinical testing. Allele origin: germline.

Labcorp Genetics (formerly Invitae), Labcorp
Classification: Uncertain significance. Last evaluated: 2024-10-29. Review status: criteria provided, single submitter. Criteria: Invitae Variant Classification Sherloc (09022015). Collection method: clinical testing. Allele origin: germline.
Comment: This sequence change replaces serine, which is neutral and polar, with phenylalanine, which is neutral and non-polar, at codon 349 of the USH1G protein (p.Ser349Phe). This variant is present in population databases (rs768147159, gnomAD 0.01%). This variant has not been reported in the literature in individuals affected with USH1G-related conditions. ClinVar contains an entry for this variant (Variation ID: 1005012). Invitae Evidence Modeling of protein sequence and biophysical properties (such as structural, functional, and spatial information, amino acid conservation, physicochemical variation, residue mobility, and thermodynamic stability) indicates that this missense variant is not expected to disrupt USH1G protein function with a negative predictive value of 80%. In summary, the available evidence is currently insufficient to determine the role of this variant in disease. Therefore, it has been classified as a Variant of Uncertain Significance.